The following is an entry in ClinVar:

ClinVar aggregate classification (germline): Benign. Review status: criteria provided, multiple submitters, no conflicts (2 of 4 stars). 6 submissions from 6 submitters: Benign (5). 1 of the submissions does not count toward it. Last evaluated 2026-02-04.

Conditions:
Spondylocostal dysostosis 2, autosomal recessive (SCDO2). Also called: MESP2-Related Spondylocostal Dysostosis, Autosomal Recessive; Spondylocostal dysostosis type 2. Identifiers: Orphanet 2311, MedGen C1837549, MONDO:0012097, OMIM 608681.

Allele frequency attached by ClinVar (database versions not stated): gnomAD exomes 0.04869; 1000 Genomes Project 30x 0.03310; 1000 Genomes Project 0.03415; TOPMed 0.03630; ESP Exome Variant Server 0.03656; ExAC 0.04840.

Submissions (6):

Labcorp Genetics (formerly Invitae), Labcorp
Classification: Benign. Last evaluated: 2026-02-04. Review status: criteria provided, single submitter. Criteria: Invitae Variant Classification Sherloc (09022015). Collection method: clinical testing. Allele origin: germline.

Illumina Laboratory Services, Illumina
Classification: Benign for Spondylocostal dysostosis 2, autosomal recessive. Last evaluated: 2018-01-12. Review status: criteria provided, single submitter. Criteria: ICSL Variant Classification Criteria 13 December 2019. Collection method: clinical testing. Allele origin: germline.
Comment: This variant was observed in the ICSL laboratory as part of a predisposition screen in an ostensibly healthy population. It had not been previously curated by ICSL or reported in the Human Gene Mutation Database (HGMD: prior to June 1st, 2018), and was therefore a candidate for classification through an automated scoring system. Utilizing variant allele frequency, disease prevalence and penetrance estimates, and inheritance mode, an automated score was calculated to assess if this variant is too frequent to cause the disease. Based on the score and internal cut-off values, a variant classified as benign is not then subjected to further curation. The score for this variant resulted in a classification of benign for this disease.

Eurofins Ntd Llc (ga)
Classification: Benign. Last evaluated: 2017-06-14. Review status: criteria provided, single submitter. Criteria: EGL Classification Definitions 2015. Collection method: clinical testing. Allele origin: germline. Observed: 4 variant alleles, 4 heterozygotes.

Breakthrough Genomics
Classification: Benign. Review status: criteria provided, single submitter. Criteria: ACMG Guidelines, 2015. Collection method: not provided. Allele origin: germline. Inheritance: Autosomal recessive inheritance. Affected: yes.

PreventionGenetics, part of Exact Sciences
Classification: Benign. Review status: criteria provided, single submitter. Criteria: ACMG Guidelines, 2015. Collection method: clinical testing. Allele origin: germline.

Natera, Inc.
Classification: Benign for Spondylocostal dysostosis type 2. Last evaluated: 2019-11-27. Review status: no assertion criteria provided. Collection method: clinical testing. Allele origin: germline. Not counted in ClinVar's aggregate classification.

NM_001039958.2(MESP2):c.531G>A (p.Ala177=)

Gene: MESP2 (mesoderm posterior bHLH transcription factor 2; plus strand). Cytogenetic location: 15q26.1.
Variant type: single nucleotide variant.
Coding change: c.531G>A on transcript NM_001039958.2 (MANE Select); coding-DNA position 531, G replaced by A.
Protein change: p.Ala177=; no amino-acid change (alanine 177 retained).
Molecular consequence: synonymous variant.
Genome position (GRCh38, 1-based): chr15:89,776,888, G>A. VCF-style: chr15-89776888-G-A. GRCh37 (hg19) VCF-style: chr15-90320119-G-A.
Identifiers: ClinVar variation 257241 (VCV000257241.21), dbSNP rs75049807, ClinGen allele CA7730437.